The following is an entry in ClinVar:

NM_001069.3(TUBB2A):c.515C>T (p.Ser172Leu)

Gene: TUBB2A (tubulin beta 2A class IIa; minus strand). Cytogenetic location: 6p25.2.
Variant type: single nucleotide variant.
Coding change: c.515C>T on transcript NM_001069.3 (MANE Select); coding-DNA position 515, C replaced by T.
Protein change: p.Ser172Leu; replaces serine 172 with leucine.
Molecular consequence: missense variant.
Genome position (GRCh38, 1-based): chr6:3,154,686, G>A on the plus strand (C>T on the coding strand, the complement: TUBB2A is on the minus strand). VCF-style: chr6-3154686-G-A. GRCh37 (hg19) VCF-style: chr6-3154920-G-A.
Other names: c.260C>T, p.Ser87Leu (NM_001310315.2); short protein forms S172L, S87L.
Identifiers: ClinVar variation 3330205 (VCV003330205.4).

ClinVar aggregate classification (germline): Conflicting classifications of pathogenicity. Review status: criteria provided, conflicting classifications (1 of 4 stars). 2 submissions from 2 submitters: Likely pathogenic (1); Uncertain significance (1). Last evaluated 2024-07-15.

Conditions:
Inborn genetic diseases. Identifiers: MedGen C0950123, MeSH D030342.

Submissions (2):

Ambry Genetics
Classification: Likely pathogenic for Inborn genetic diseases. Last evaluated: 2024-07-15. Review status: criteria provided, single submitter. Criteria: Ambry Variant Classification Scheme 2023. Collection method: clinical testing. Allele origin: germline.
Comment: The c.515C>T (p.S172L) alteration is located in exon 4 (coding exon 4) of the TUBB2A gene. This alteration results from a C to T substitution at nucleotide position 515, causing the serine (S) at amino acid position 172 to be replaced by a leucine (L). This variant was not reported in population-based cohorts in the Genome Aggregation Database (gnomAD). This amino acid position is highly conserved in available vertebrate species. This alteration is predicted to be deleterious by in silico analysis. Based on the available evidence, this alteration is classified as likely pathogenic.

Labcorp Genetics (formerly Invitae), Labcorp
Classification: Uncertain significance. Last evaluated: 2024-02-12. Review status: criteria provided, single submitter. Criteria: Invitae Variant Classification Sherloc (09022015). Collection method: clinical testing. Allele origin: germline.
Comment: This sequence change replaces serine, which is neutral and polar, with leucine, which is neutral and non-polar, at codon 172 of the TUBB2A protein (p.Ser172Leu). This variant is not present in population databases (gnomAD no frequency). This variant has not been reported in the literature in individuals affected with TUBB2A-related conditions. Advanced modeling of protein sequence and biophysical properties (such as structural, functional, and spatial information, amino acid conservation, physicochemical variation, residue mobility, and thermodynamic stability) performed at Invitae indicates that this missense variant is expected to disrupt TUBB2A protein function with a positive predictive value of 80%. In summary, the available evidence is currently insufficient to determine the role of this variant in disease. Therefore, it has been classified as a Variant of Uncertain Significance.